The following is an entry in ClinVar:

NM_001129.5(AEBP1):c.1150+9G>A

Gene: AEBP1 (AE binding protein 1; plus strand). Cytogenetic location: 7p13.
Variant type: single nucleotide variant.
Coding change: c.1150+9G>A on transcript NM_001129.5 (MANE Select); 9 bases into the intron after coding-DNA position 1150, G replaced by A.
Molecular consequence: intron variant.
Genome position (GRCh38, 1-based): chr7:44,109,350, G>A. VCF-style: chr7-44109350-G-A. GRCh37 (hg19) VCF-style: chr7-44148949-G-A.
Other names: c.1150+9G>A (NM_001129.4).
Identifiers: ClinVar variation 2195469 (VCV002195469.6), dbSNP rs778213885, ClinGen allele CA4237767.

ClinVar aggregate classification (germline): Likely benign. Review status: criteria provided, single submitter (1 of 4 stars). 2 submissions from 2 submitters: Likely benign (1). 1 of the submissions does not count toward it. Last evaluated 2026-02-01.

Conditions:
AEBP1-related disorder. Also called: AEBP1-related condition.

Allele frequency attached by ClinVar (database versions not stated): gnomAD 0.00001; ExAC 0.00003; TOPMed 0.00003.
gnomAD v4.1: 54 of 1,574,042 alleles (0.0034%); highest among the groups gnomAD compares: Non-Finnish European, 0.0046%; no homozygotes.

Submissions (2):

Labcorp Genetics (formerly Invitae), Labcorp
Classification: Likely benign. Last evaluated: 2026-02-01. Review status: criteria provided, single submitter. Criteria: Invitae Variant Classification Sherloc (09022015). Collection method: clinical testing. Allele origin: germline.

PreventionGenetics, part of Exact Sciences
Classification: Likely benign for AEBP1-related condition. Last evaluated: 2020-11-24. Review status: no assertion criteria provided. Collection method: clinical testing. Allele origin: germline. Not counted in ClinVar's aggregate classification.
Comment: This variant is classified as likely benign based on ACMG/AMP sequence variant interpretation guidelines (Richards et al. 2015 PMID: 25741868, with internal and published modifications).